The following is an entry in ClinVar:

ClinVar aggregate classification (germline): Likely pathogenic (1 of 4 stars; one submission).

Conditions:
Developmental and epileptic encephalopathy, 9 (DEE9). Also called: Early infantile epileptic encephalopathy 9; EPILEPSY, FEMALE-RESTRICTED, WITH MENTAL RETARDATION; JUBERG-HELLMAN SYNDROME; PCDH19-Related X-Linked Female-Limited Epilepsy with Mental Retardation. Identifiers: Orphanet 101039, Orphanet 2076, MedGen C1848137, MONDO:0010246, OMIM 300088. Disease mechanism: loss of function.

Submission:

Labcorp Genetics (formerly Invitae), Labcorp
Classification: Likely pathogenic for Developmental and epileptic encephalopathy, 9. Last evaluated: 2022-01-11. Review status: criteria provided, single submitter. Criteria: Invitae Variant Classification Sherloc (09022015). Collection method: clinical testing. Allele origin: germline.
Comment: Advanced modeling of protein sequence and biophysical properties (such as structural, functional, and spatial information, amino acid conservation, physicochemical variation, residue mobility, and thermodynamic stability) performed at Invitae indicates that this missense variant is expected to disrupt PCDH19 protein function. In summary, the currently available evidence indicates that the variant is pathogenic, but additional data are needed to prove that conclusively. Therefore, this variant has been classified as Likely Pathogenic. This variant disrupts the p.Asp596 amino acid residue in PCDH19. Other variant(s) that disrupt this residue have been observed in individuals with PCDH19-related conditions (PMID: 22946748, 23712037, 25891919), which suggests that this may be a clinically significant amino acid residue. This missense change has been observed in individual(s) with clinical features of PCDH19-related conditions (PMID: 25891919). This variant is not present in population databases (gnomAD no frequency). This sequence change replaces aspartic acid, which is acidic and polar, with tyrosine, which is neutral and polar, at codon 596 of the PCDH19 protein (p.Asp596Tyr).

Literature cited by the submitters: PubMed 22946748; PubMed 23712037; PubMed 25891919.

NM_001184880.2(PCDH19):c.1786G>T (p.Asp596Tyr)

Gene: PCDH19 (protocadherin 19; minus strand). Cytogenetic location: Xq22.1.
Variant type: single nucleotide variant.
Coding change: c.1786G>T on transcript NM_001184880.2 (MANE Select); coding-DNA position 1786, G replaced by T.
Protein change: p.Asp596Tyr; replaces aspartic acid 596 with tyrosine.
Molecular consequence: missense variant.
Genome position (GRCh38, 1-based): chrX:100,406,812, C>A on the plus strand (G>T on the coding strand, the complement: PCDH19 is on the minus strand). VCF-style: chrX-100406812-C-A. GRCh37 (hg19) VCF-style: chrX-99661810-C-A.
Other names: c.1786G>T, p.Asp596Tyr (NM_001105243.2, NM_020766.3); short protein forms D596Y.
Identifiers: ClinVar variation 1519314 (VCV001519314.6), dbSNP rs1928365978, ClinGen allele CA414001978.
Genomic context (GRCh38, chrX:100,406,812, plus strand): 5'-CAAAGAAGCCGCGGTCGCCCTCGGTCATGTCGTAGGTGACTCGGCCATTTTCGCCCTCAT[C>A]GTAGTCTTCTGCCTTGACAACAGTCACCAGGTAGCCTATGCCAGAGTTGCGGGGTATGTA-3'
Protein context (NP_001171809.1, residues 586-606): LVTVVKAEDY[Asp596Tyr]EGENGRVTYD